The following is an entry in ClinVar:

ClinVar aggregate classification (germline): Likely benign (0 of 4 stars; one submission).

Conditions:
BBS4-related disorder. Also called: BBS4-related condition.

Allele frequency attached by ClinVar (database versions not stated): gnomAD exomes below 0.00001.
gnomAD v4.1: 1 of 1,605,568 alleles (0.000062%); highest among the groups gnomAD compares: African/African-American, 0.0013%; no homozygotes.

Submission:

PreventionGenetics, part of Exact Sciences
Classification: Likely benign for BBS4-related condition. Last evaluated: 2023-09-25. Review status: no assertion criteria provided. Collection method: clinical testing. Allele origin: germline.
Comment: This variant is classified as likely benign based on ACMG/AMP sequence variant interpretation guidelines (Richards et al. 2015 PMID: 25741868, with internal and published modifications).

NM_033028.5(BBS4):c.1451-8G>A

Gene: BBS4 (Bardet-Biedl syndrome 4; plus strand). Cytogenetic location: 15q24.1.
Variant type: single nucleotide variant.
Coding change: c.1451-8G>A on transcript NM_033028.5 (MANE Select); 8 bases into the intron before coding-DNA position 1451, G replaced by A.
Molecular consequence: intron variant.
Genome position (GRCh38, 1-based): chr15:72,737,470, G>A. VCF-style: chr15-72737470-G-A. GRCh37 (hg19) VCF-style: chr15-73029811-G-A.
Other names: c.1382-8G>A (NM_001320665.2); c.935-8G>A (NM_001252678.2).
Identifiers: ClinVar variation 3029338 (VCV003029338.2), dbSNP rs2543019971, ClinGen allele CA2629374386.